The following is an entry in ClinVar:

NM_025099.6(CTC1):c.1940T>A (p.Leu647Gln)

Gene: CTC1 (CST telomere replication complex component 1; minus strand). Cytogenetic location: 17p13.1.
Variant type: single nucleotide variant.
Coding change: c.1940T>A on transcript NM_025099.6 (MANE Select); coding-DNA position 1940, T replaced by A.
Protein change: p.Leu647Gln; replaces leucine 647 with glutamine.
Molecular consequence: missense variant. On other transcripts: non-coding transcript variant (1).
Genome position (GRCh38, 1-based): chr17:8,232,911, A>T on the plus strand (T>A on the coding strand, the complement: CTC1 is on the minus strand). VCF-style: chr17-8232911-A-T. GRCh37 (hg19) VCF-style: chr17-8136229-A-T.
Other names: short protein forms L647Q.
Identifiers: ClinVar variation 852807 (VCV000852807.7), dbSNP rs1342587450, ClinGen allele CA397980255.

ClinVar aggregate classification (germline): Uncertain significance (1 of 4 stars; one submission).

Conditions:
Dyskeratosis congenita. Identifiers: Orphanet 1775, MedGen C0265965, MONDO:0015780.

Allele frequency attached by ClinVar (database versions not stated): gnomAD exomes below 0.00001.
gnomAD v4.1: 1 of 1,613,990 alleles (0.000062%); highest among the groups gnomAD compares: African/African-American, 0.0013%; no homozygotes.

Submission:

Labcorp Genetics (formerly Invitae), Labcorp
Classification: Uncertain significance for Dyskeratosis congenita. Last evaluated: 2021-09-02. Review status: criteria provided, single submitter. Criteria: Invitae Variant Classification Sherloc (09022015). Collection method: clinical testing. Allele origin: germline.
Comment: This sequence change replaces leucine with glutamine at codon 647 of the CTC1 protein (p.Leu647Gln). The leucine residue is moderately conserved and there is a moderate physicochemical difference between leucine and glutamine. This variant is not present in population databases (ExAC no frequency). This variant has not been reported in the literature in individuals affected with CTC1-related conditions. Algorithms developed to predict the effect of missense changes on protein structure and function are either unavailable or do not agree on the potential impact of this missense change (SIFT: "Deleterious"; PolyPhen-2: "Probably Damaging"; Align-GVGD: "Class C0"). Algorithms developed to predict the effect of sequence changes on RNA splicing suggest that this variant may create or strengthen a splice site. In summary, the available evidence is currently insufficient to determine the role of this variant in disease. Therefore, it has been classified as a Variant of Uncertain Significance.